The following is an entry in ClinVar:

ClinVar aggregate classification (germline): Uncertain significance (1 of 4 stars; one submission).

Allele frequency attached by ClinVar (database versions not stated): ExAC 0.00001; TOPMed 0.00004; ESP Exome Variant Server 0.00008; gnomAD 0.00009.
gnomAD v4.1: 85 of 1,614,068 alleles (0.0053%); highest among the groups gnomAD compares: African/African-American, 0.008%; no homozygotes.

Submission:

Labcorp Genetics (formerly Invitae), Labcorp
Classification: Uncertain significance. Last evaluated: 2024-02-14. Review status: criteria provided, single submitter. Criteria: Invitae Variant Classification Sherloc (09022015). Collection method: clinical testing. Allele origin: germline.
Comment: This sequence change replaces arginine, which is basic and polar, with histidine, which is basic and polar, at codon 665 of the INTU protein (p.Arg665His). This variant is present in population databases (rs147871621, gnomAD 0.004%). This variant has not been reported in the literature in individuals affected with INTU-related conditions. Advanced modeling of protein sequence and biophysical properties (such as structural, functional, and spatial information, amino acid conservation, physicochemical variation, residue mobility, and thermodynamic stability) performed at Invitae indicates that this missense variant is not expected to disrupt INTU protein function with a negative predictive value of 80%. In summary, the available evidence is currently insufficient to determine the role of this variant in disease. Therefore, it has been classified as a Variant of Uncertain Significance.

NM_015693.4(INTU):c.1994G>A (p.Arg665His)

Gene: INTU (inturned planar cell polarity protein; plus strand). Cytogenetic location: 4q28.1.
Variant type: single nucleotide variant.
Coding change: c.1994G>A on transcript NM_015693.4 (MANE Select); coding-DNA position 1994, G replaced by A.
Protein change: p.Arg665His; replaces arginine 665 with histidine.
Molecular consequence: missense variant.
Genome position (GRCh38, 1-based): chr4:127,706,692, G>A. VCF-style: chr4-127706692-G-A. GRCh37 (hg19) VCF-style: chr4-128627847-G-A.
Other names: short protein forms R665H.
Identifiers: ClinVar variation 2892207 (VCV002892207.3), dbSNP rs147871621, ClinGen allele CA3075232.